The following is an entry in ClinVar:

ClinVar aggregate classification (germline): Benign. Review status: criteria provided, multiple submitters, no conflicts (2 of 4 stars). 5 submissions from 5 submitters: Benign (5). Last evaluated 2026-02-04.

Conditions:
Primary ciliary dyskinesia. Also called: Ciliary dyskinesia. Identifiers: Orphanet 244, MedGen C0008780, MONDO:0016575, HP:0012265.

Allele frequency attached by ClinVar (database versions not stated): ESP Exome Variant Server 0.40443; gnomAD 0.40927 and 0.41622; TOPMed 0.42601; gnomAD exomes 0.44670 and 0.46704; ExAC 0.45853; 1000 Genomes Project 30x 0.47283; 1000 Genomes Project 0.47504.
gnomAD v4.1: 710,895 of 1,602,908 alleles (44%); highest among the groups gnomAD compares: East Asian, 70%; 162,349 homozygotes.

Submissions (5):

Labcorp Genetics (formerly Invitae), Labcorp
Classification: Benign for Primary ciliary dyskinesia. Last evaluated: 2026-02-04. Review status: criteria provided, single submitter. Criteria: Invitae Variant Classification Sherloc (09022015). Collection method: clinical testing. Allele origin: germline.

Blueprint Genetics
Classification: Benign. Last evaluated: 2024-11-27. Review status: criteria provided, single submitter. Criteria: ACMG Guidelines, 2015. Collection method: clinical testing. Allele origin: germline.

Mayo Clinic Laboratories, Mayo Clinic
Classification: Benign. Last evaluated: 2022-04-26. Review status: criteria provided, single submitter. Criteria: ACMG Guidelines, 2015. Collection method: clinical testing. Allele origin: germline. Observed: 143 variant alleles.

GeneDx
Classification: Benign. Last evaluated: 2018-11-10. Review status: criteria provided, single submitter. Criteria: GeneDx Variant Classification Process June 2021. Collection method: clinical testing. Allele origin: germline. Affected: yes.

Laboratory for Molecular Medicine, Mass General Brigham Personalized Medicine
Classification: Benign. Last evaluated: 2016-03-28. Review status: criteria provided, single submitter. Criteria: LMM Criteria. Collection method: clinical testing. Allele origin: germline.
Comment: Variant identified in a genome or exome case(s) and assessed due to predicted null impact of the variant or pathogenic assertions in the literature or databases. Disclaimer: This variant has not undergone full assessment. The following are preliminary notes: Frequency

NM_001206927.2(DNAH8):c.3071G>A (p.Gly1024Glu)

Gene: DNAH8 (dynein axonemal heavy chain 8; plus strand). Cytogenetic location: 6p21.2.
Variant type: single nucleotide variant.
Coding change: c.3071G>A on transcript NM_001206927.2 (MANE Select); coding-DNA position 3071, G replaced by A.
Protein change: p.Gly1024Glu; replaces glycine 1024 with glutamic acid.
Molecular consequence: missense variant.
Genome position (GRCh38, 1-based): chr6:38,805,517, G>A. VCF-style: chr6-38805517-G-A. GRCh37 (hg19) VCF-style: chr6-38773293-G-A.
Other names: c.2420G>A, p.Gly807Glu (NM_001371.4); short protein forms G1024E, G807E.
Identifiers: ClinVar variation 402762 (VCV000402762.17), dbSNP rs874808, ClinGen allele CA3788720.